The following is an entry in ClinVar:

NM_032119.4(ADGRV1):c.14223C>T (p.Ala4741=)

Gene: ADGRV1 (adhesion G protein-coupled receptor V1; plus strand). Cytogenetic location: 5q14.3.
Variant type: single nucleotide variant.
Coding change: c.14223C>T on transcript NM_032119.4 (MANE Select); coding-DNA position 14223, C replaced by T.
Protein change: p.Ala4741=; no amino-acid change (alanine 4741 retained).
Molecular consequence: synonymous variant. On other transcripts: non-coding transcript variant (1).
Genome position (GRCh38, 1-based): chr5:90,791,052, C>T. VCF-style: chr5-90791052-C-T. GRCh37 (hg19) VCF-style: chr5-90086869-C-T.
Identifiers: ClinVar variation 597167 (VCV000597167.49), dbSNP rs61999270, ClinGen allele CA3341690.
Genomic context (GRCh38, chr5:90,791,052, plus strand): 5'-TGAGGTACCTGAGATAGAGGAAGATTATGTGATCCAGCTTGTTTCTGTAGAGGGAGGAGC[C>T]GAACTGGATCTGGAGAAGAGTATCACATGGTTCTCTGTTTATGCAAATGATGACCCACAT-3'
Protein context (NP_115495.3, residues 4731-4751): VIQLVSVEGG[Ala4741=]ELDLEKSITW

ClinVar aggregate classification (germline): Benign/Likely benign. Review status: criteria provided, multiple submitters, no conflicts (2 of 4 stars). 7 submissions from 7 submitters: Benign (3); Likely benign (4). Last evaluated 2026-01-20.

Conditions:
Usher syndrome type 2C. Also called: USHER SYNDROME, TYPE IIC; Usher syndrome, type 2B. Identifiers: Orphanet 231178, Orphanet 886, MedGen C2931213, MONDO:0011558, OMIM 605472.

Allele frequency attached by ClinVar (database versions not stated): gnomAD exomes 0.00039; ExAC 0.00044; ESP Exome Variant Server 0.00074; gnomAD 0.00142 and 0.00151; TOPMed 0.00159; 1000 Genomes Project 0.00160; 1000 Genomes Project 30x 0.00172.
gnomAD v4.1: 494 of 1,613,842 alleles (0.031%); highest among the groups gnomAD compares: African/African-American, 0.44%; 4 homozygotes.

Submissions (7):

Labcorp Genetics (formerly Invitae), Labcorp
Classification: Benign. Last evaluated: 2026-01-20. Review status: criteria provided, single submitter. Criteria: Invitae Variant Classification Sherloc (09022015). Collection method: clinical testing. Allele origin: germline.

Illumina Laboratory Services, Illumina
Classification: Benign for Usher syndrome type 2C. Last evaluated: 2025-04-08. Review status: criteria provided, single submitter. Criteria: ICSLVariantClassificationCriteria RUGD 01 April 2020. Collection method: clinical testing. Allele origin: unknown.

Blueprint Genetics
Classification: Likely benign. Last evaluated: 2024-09-02. Review status: criteria provided, single submitter. Criteria: ACMG Guidelines, 2015. Collection method: clinical testing. Allele origin: germline.

CeGaT Center for Human Genetics Tuebingen
Classification: Likely benign. Last evaluated: 2022-10-01. Review status: criteria provided, single submitter. Criteria: CeGaT Center For Human Genetics Tuebingen Variant Classification Criteria Version 2. Collection method: clinical testing. Allele origin: germline. Affected: yes. Observed: 1 variant allele.
Comment: ADGRV1: BP4, BP7

GeneDx
Classification: Benign. Last evaluated: 2018-07-20. Review status: criteria provided, single submitter. Criteria: GeneDx Variant Classification Process June 2021. Collection method: clinical testing. Allele origin: germline. Affected: yes.

Eurofins Ntd Llc (ga)
Classification: Likely benign. Last evaluated: 2018-05-29. Review status: criteria provided, single submitter. Criteria: EGL ClinVar v180209 classification definitions. Collection method: clinical testing. Allele origin: germline. Observed: 1 variant allele, 1 heterozygote.

Laboratory for Molecular Medicine, Mass General Brigham Personalized Medicine
Classification: Likely benign. Last evaluated: 2012-04-30. Review status: criteria provided, single submitter. Criteria: LMM Criteria. Collection method: clinical testing. Allele origin: germline. Observed: 1 variant allele.
Comment: Ala4741Ala in Exon 70 of GPR98: This variant is not expected to have clinical significance because it does not alter an amino acid residue, is not located within the splice consensus sequence, and has been identified in 0.3% (10/3144) of African American chromosomes from a broad population by the NHLBI Exome Sequencing Project (dbSNP rs61999270).